The following is an entry in ClinVar:

NM_006767.4(LZTR1):c.1344G>A (p.Val448=)

Gene: LZTR1 (leucine zipper like post translational regulator 1; plus strand). Cytogenetic location: 22q11.21.
Variant type: single nucleotide variant.
Coding change: c.1344G>A on transcript NM_006767.4 (MANE Select); coding-DNA position 1344, G replaced by A.
Protein change: p.Val448=; no amino-acid change (valine 448 retained).
Molecular consequence: synonymous variant.
Genome position (GRCh38, 1-based): chr22:20,993,745, G>A. VCF-style: chr22-20993745-G-A. GRCh37 (hg19) VCF-style: chr22-21348034-G-A.
Identifiers: ClinVar variation 1770428 (VCV001770428.30), dbSNP rs928583988, ClinGen allele CA322268725.

ClinVar aggregate classification (germline): Likely benign. Review status: criteria provided, multiple submitters, no conflicts (2 of 4 stars). 3 submissions from 3 submitters: Likely benign (3). Last evaluated 2025-07-07.

Conditions:
Cardiovascular phenotype. Identifiers: MedGen CN230736.
Hereditary cancer-predisposing syndrome. Also called: Hereditary neoplastic syndrome; Neoplastic Syndromes, Hereditary; Tumor predisposition; Hereditary Cancer Syndrome. Identifiers: Orphanet 140162, MedGen C0027672, MeSH D009386, MONDO:0015356.

Allele frequency attached by ClinVar (database versions not stated): gnomAD exomes 0.00001.
gnomAD v4.1: 5 of 1,612,832 alleles (0.00031%); highest among the groups gnomAD compares: Non-Finnish European, 0.00042%; no homozygotes.

Submissions (3):

Labcorp Genetics (formerly Invitae), Labcorp
Classification: Likely benign. Last evaluated: 2025-07-07. Review status: criteria provided, single submitter. Criteria: Invitae Variant Classification Sherloc (09022015). Collection method: clinical testing. Allele origin: germline.

CeGaT Center for Human Genetics Tuebingen
Classification: Likely benign. Last evaluated: 2023-07-01. Review status: criteria provided, single submitter. Criteria: CeGaT Center For Human Genetics Tuebingen Variant Classification Criteria Version 2. Collection method: clinical testing. Allele origin: germline. Affected: yes. Observed: 1 variant allele.
Comment: LZTR1: PM2:Supporting, BP4, BP7

Ambry Genetics
Classification: Likely benign for Cardiovascular phenotype; Hereditary cancer-predisposing syndrome. Last evaluated: 2022-02-28. Review status: criteria provided, single submitter. Criteria: Ambry Variant Classification Scheme 2023. Collection method: clinical testing. Allele origin: germline.